The following is an entry in ClinVar:

NM_006118.4(HAX1):c.525G>A (p.Met175Ile)

Gene: HAX1 (HCLS1 associated protein X-1; plus strand). Cytogenetic location: 1q21.3.
Variant type: single nucleotide variant.
Coding change: c.525G>A on transcript NM_006118.4 (MANE Select); coding-DNA position 525, G replaced by A.
Protein change: p.Met175Ile; replaces methionine 175 with isoleucine.
Molecular consequence: missense variant.
Genome position (GRCh38, 1-based): chr1:154,274,970, G>A. VCF-style: chr1-154274970-G-A. GRCh37 (hg19) VCF-style: chr1-154247446-G-A.
Other names: c.381G>A, p.Met127Ile (NM_001018837.2); short protein forms M127I, M175I.
Identifiers: ClinVar variation 859940 (VCV000859940.11), dbSNP rs747655324, ClinGen allele CA1127374.

ClinVar aggregate classification (germline): Uncertain significance. Review status: criteria provided, multiple submitters, no conflicts (2 of 4 stars). 3 submissions from 3 submitters: Uncertain significance (2). 1 of the submissions does not count toward it. Last evaluated 2025-01-23.

Conditions:
Inborn genetic diseases. Identifiers: MedGen C0950123, MeSH D030342.
Kostmann syndrome (SCN3). Also called: KOSTMANN DISEASE; Autosomal recessive severe congenital neutropenia type 3. Identifiers: Orphanet 99749, MedGen C5235141, MONDO:0012548, OMIM 610738.

Allele frequency attached by ClinVar (database versions not stated): ExAC 0.00001; gnomAD exomes 0.00001; gnomAD 0.00003 and 0.00004; TOPMed 0.00003.

Submissions (3):

Ambry Genetics
Classification: Uncertain significance for Inborn genetic diseases. Last evaluated: 2025-01-23. Review status: criteria provided, single submitter. Criteria: Ambry Variant Classification Scheme 2023. Collection method: clinical testing. Allele origin: germline.
Comment: The p.M175I variant (also known as c.525G>A), located in coding exon 4 of the HAX1 gene, results from a G to A substitution at nucleotide position 525. The methionine at codon 175 is replaced by isoleucine, an amino acid with highly similar properties. This amino acid position is conserved. In addition, this alteration is predicted to be tolerated by in silico analysis. Based on the available evidence, the clinical significance of this variant remains unclear.

Labcorp Genetics (formerly Invitae), Labcorp
Classification: Uncertain significance for Kostmann syndrome. Last evaluated: 2021-08-20. Review status: criteria provided, single submitter. Criteria: Invitae Variant Classification Sherloc (09022015). Collection method: clinical testing. Allele origin: germline.
Comment: This sequence change replaces methionine with isoleucine at codon 175 of the HAX1 protein (p.Met175Ile). The methionine residue is weakly conserved and there is a small physicochemical difference between methionine and isoleucine. This variant is present in population databases (rs747655324, ExAC 0.01%). This variant has not been reported in the literature in individuals affected with HAX1-related conditions. Algorithms developed to predict the effect of missense changes on protein structure and function (SIFT, PolyPhen-2, Align-GVGD) all suggest that this variant is likely to be tolerated. Algorithms developed to predict the effect of sequence changes on RNA splicing suggest that this variant may create or strengthen a splice site. In summary, the available evidence is currently insufficient to determine the role of this variant in disease. Therefore, it has been classified as a Variant of Uncertain Significance.

Natera, Inc.
Classification: Uncertain significance for Autosomal recessive severe congenital neutropenia type 3. Last evaluated: 2021-08-25. Review status: no assertion criteria provided. Collection method: clinical testing. Allele origin: germline. Not counted in ClinVar's aggregate classification.